The following is an entry in ClinVar:

ClinVar aggregate classification (germline): Pathogenic/Likely pathogenic. Review status: criteria provided, multiple submitters, no conflicts (2 of 4 stars). 3 submissions from 3 submitters: Pathogenic (1); Likely pathogenic (2). Last evaluated 2024-06-11.

Conditions:
Usher syndrome type 2A. Also called: USHER SYNDROME, TYPE IIA; RETINAL DISEASE IN USHER SYNDROME TYPE IIA, MODIFIER OF. Identifiers: Orphanet 231178, Orphanet 886, MedGen C1848634, MONDO:0010169, OMIM 276901.

Submissions (3):

Labcorp Genetics (formerly Invitae), Labcorp
Classification: Likely pathogenic. Last evaluated: 2024-06-11. Review status: criteria provided, single submitter. Criteria: Invitae Variant Classification Sherloc (09022015). Collection method: clinical testing. Allele origin: germline.
Comment: This sequence change affects a donor splice site in intron 53 of the USH2A gene. It is expected to disrupt RNA splicing. Variants that disrupt the donor or acceptor splice site typically lead to a loss of protein function (PMID: 16199547), and loss-of-function variants in USH2A are known to be pathogenic (PMID: 10729113, 10909849, 20507924, 25649381). This variant is not present in population databases (gnomAD no frequency). This variant has not been reported in the literature in individuals affected with USH2A-related conditions. ClinVar contains an entry for this variant (Variation ID: 1333540). Algorithms developed to predict the effect of sequence changes on RNA splicing suggest that this variant may disrupt the consensus splice site. In summary, the currently available evidence indicates that the variant is pathogenic, but additional data are needed to prove that conclusively. Therefore, this variant has been classified as Likely Pathogenic.

Genome-Nilou Lab
Classification: Likely pathogenic for Usher syndrome type 2A. Last evaluated: 2023-04-11. Review status: criteria provided, single submitter. Criteria: ACMG Guidelines, 2015. Collection method: clinical testing. Allele origin: germline. Affected: no.

3billion
Classification: Pathogenic for Usher syndrome type 2A. Last evaluated: 2022-01-03. Review status: criteria provided, single submitter. Criteria: ACMG Guidelines, 2015. Collection method: clinical testing. Allele origin: germline. Affected: yes. Observed: 1 homozygote.
Comment: Canonical splice site: predicted to alter splicing and result in a loss or disruption of normal protein function through protein truncation. Multiple pathogenic variants are reported in the predicted truncated region (PVS1_VS). It is not observed in the gnomAD v2.1.1 dataset (PM2_M). Patient’s phenotype is considered compatible with USH2A-related disorder (PP4_P). Therefore, this variant is classified as pathogenic according to the recommendation of ACMG/AMP guideline.

Literature cited by the submitters: PubMed 16199547 (cited by Labcorp Genetics (formerly Invitae), Labcorp); PubMed 10729113 (cited by Labcorp Genetics (formerly Invitae), Labcorp); PubMed 10909849 (cited by Labcorp Genetics (formerly Invitae), Labcorp); PubMed 20507924 (cited by Labcorp Genetics (formerly Invitae), Labcorp); PubMed 25649381 (cited by Labcorp Genetics (formerly Invitae), Labcorp).

NM_206933.4(USH2A):c.10585+1G>A

Gene: USH2A (usherin; minus strand). Cytogenetic location: 1q41.
Variant type: single nucleotide variant.
Coding change: c.10585+1G>A on transcript NM_206933.4 (MANE Select); the canonical splice donor site of the intron after coding-DNA position 10585, G replaced by A.
Molecular consequence: splice donor variant.
Genome position (GRCh38, 1-based): chr1:215,782,737, C>T on the plus strand (G>A on the coding strand, the complement: USH2A is on the minus strand). VCF-style: chr1-215782737-C-T. GRCh37 (hg19) VCF-style: chr1-215956079-C-T.
Identifiers: ClinVar variation 1333540 (VCV001333540.7), dbSNP rs2102763351, ClinGen allele CA344837217.